The following is an entry in ClinVar:

NM_001379500.1(COL18A1):c.107-12167C>T

Gene: COL18A1 (collagen type XVIII alpha 1 chain; plus strand). Cytogenetic location: 21q22.3.
Variant type: single nucleotide variant.
Coding change: c.107-12167C>T on transcript NM_001379500.1 (MANE Select); 12167 bases into the intron before coding-DNA position 107, C replaced by T.
Molecular consequence: intron variant. On other transcripts: missense variant (2).
Genome position (GRCh38, 1-based): chr21:45,456,075, C>T. VCF-style: chr21-45456075-C-T. GRCh37 (hg19) VCF-style: chr21-46875989-C-T.
Other names: c.545C>T, p.Thr182Ile (NM_030582.4, NM_130444.3); short protein forms T182I.
Identifiers: ClinVar variation 2876278 (VCV002876278.3), dbSNP rs1252059427, ClinGen allele CA410506334.

ClinVar aggregate classification (germline): Uncertain significance (1 of 4 stars; one submission).

Submission:

Labcorp Genetics (formerly Invitae), Labcorp
Classification: Uncertain significance. Last evaluated: 2023-07-17. Review status: criteria provided, single submitter. Criteria: Invitae Variant Classification Sherloc (09022015). Collection method: clinical testing. Allele origin: germline.
Comment: In summary, the available evidence is currently insufficient to determine the role of this variant in disease. Therefore, it has been classified as a Variant of Uncertain Significance. Algorithms developed to predict the effect of sequence changes on RNA splicing suggest that this variant is not likely to affect RNA splicing. This variant has not been reported in the literature in individuals affected with COL18A1-related conditions. This variant is not present in population databases (gnomAD no frequency). This sequence change replaces threonine, which is neutral and polar, with isoleucine, which is neutral and non-polar, at codon 182 of the COL18A1 protein ( p.Thr182Ile). The COL18A1 gene has multiple clinically relevant transcripts. This variant occurs in alternate transcript NM_030582.3, and corresponds to NM_130445.3:c.107-12167C>T in the primary transcript.